The following is an entry in ClinVar:

ClinVar aggregate classification (germline): Uncertain significance. Review status: criteria provided, single submitter (1 of 4 stars). 2 submissions from 2 submitters: Uncertain significance (1). 1 of the submissions does not count toward it. Last evaluated 2024-01-16.

Conditions:
PLXNA2-related disorder. Also called: PLXNA2-related condition.

Allele frequency attached by ClinVar (database versions not stated): gnomAD 0.00002; ExAC 0.00003.
gnomAD v4.1: 70 of 1,606,844 alleles (0.0044%); highest among the groups gnomAD compares: South Asian, 0.025%; no homozygotes.

Submissions (2):

Ambry Genetics
Classification: Uncertain significance. Last evaluated: 2024-01-16. Review status: criteria provided, single submitter. Criteria: Ambry Variant Classification Scheme 2023. Collection method: clinical testing. Allele origin: germline.

PreventionGenetics, part of Exact Sciences
Classification: Uncertain significance for PLXNA2-related condition. Last evaluated: 2024-05-10. Review status: no assertion criteria provided. Collection method: clinical testing. Allele origin: germline. Not counted in ClinVar's aggregate classification.
Comment: The PLXNA2 c.5080G>A variant is predicted to result in the amino acid substitution p.Asp1694Asn. To our knowledge, this variant has not been reported in the literature. This variant is reported in 0.0099% of alleles in individuals of South Asian descent in gnomAD. At this time, the clinical significance of this variant is uncertain due to the absence of conclusive functional and genetic evidence.

NM_025179.4(PLXNA2):c.5080G>A (p.Asp1694Asn)

Gene: PLXNA2 (plexin A2; minus strand). Cytogenetic location: 1q32.2.
Variant type: single nucleotide variant.
Coding change: c.5080G>A on transcript NM_025179.4 (MANE Select); coding-DNA position 5080, G replaced by A.
Protein change: p.Asp1694Asn; replaces aspartic acid 1694 with asparagine.
Molecular consequence: missense variant.
Genome position (GRCh38, 1-based): chr1:208,031,735, C>T on the plus strand (G>A on the coding strand, the complement: PLXNA2 is on the minus strand). VCF-style: chr1-208031735-C-T. GRCh37 (hg19) VCF-style: chr1-208205080-C-T.
Other names: short protein forms D1694N.
Identifiers: ClinVar variation 3215545 (VCV003215545.2), dbSNP rs760643170, ClinGen allele CA1372661.